The following is an entry in ClinVar:

NM_020964.3(EPG5):c.5203A>G (p.Thr1735Ala)

Gene: EPG5 (ectopic P-granules 5 autophagy tethering factor; minus strand). Cytogenetic location: 18q12.3.
Variant type: single nucleotide variant.
Coding change: c.5203A>G on transcript NM_020964.3 (MANE Select); coding-DNA position 5203, A replaced by G.
Protein change: p.Thr1735Ala; replaces threonine 1735 with alanine.
Molecular consequence: missense variant.
Genome position (GRCh38, 1-based): chr18:45,884,718, T>C on the plus strand (A>G on the coding strand, the complement: EPG5 is on the minus strand). VCF-style: chr18-45884718-T-C. GRCh37 (hg19) VCF-style: chr18-43464683-T-C.
Other names: c.5203A>G (NM_020964.2); short protein forms T1735A.
Identifiers: ClinVar variation 1407420 (VCV001407420.5), dbSNP rs2145444248, ClinGen allele CA402345567.

ClinVar aggregate classification (germline): Uncertain significance. Review status: criteria provided, multiple submitters, no conflicts (2 of 4 stars). 2 submissions from 2 submitters: Uncertain significance (2). Last evaluated 2025-09-22.

Conditions:
Vici syndrome (VICIS). Identifiers: Orphanet 1493, MedGen C1855772, MONDO:0009452, OMIM 242840.
Inborn genetic diseases. Identifiers: MedGen C0950123, MeSH D030342.

Allele frequency attached by ClinVar (database versions not stated): gnomAD exomes 0.00002.
gnomAD v4.1: 9 of 1,611,488 alleles (0.00056%); highest among the groups gnomAD compares: Non-Finnish European, 0.00076%; no homozygotes.

Submissions (2):

Ambry Genetics
Classification: Uncertain significance for Inborn genetic diseases. Last evaluated: 2025-09-22. Review status: criteria provided, single submitter. Criteria: Ambry Variant Classification Scheme 2023. Collection method: clinical testing. Allele origin: germline.

Labcorp Genetics (formerly Invitae), Labcorp
Classification: Uncertain significance for Vici syndrome. Last evaluated: 2022-10-13. Review status: criteria provided, single submitter. Criteria: Invitae Variant Classification Sherloc (09022015). Collection method: clinical testing. Allele origin: germline.
Comment: This sequence change replaces threonine, which is neutral and polar, with alanine, which is neutral and non-polar, at codon 1735 of the EPG5 protein (p.Thr1735Ala). This variant is not present in population databases (gnomAD no frequency). This variant has not been reported in the literature in individuals affected with EPG5-related conditions. ClinVar contains an entry for this variant (Variation ID: 1407420). Advanced modeling of protein sequence and biophysical properties (such as structural, functional, and spatial information, amino acid conservation, physicochemical variation, residue mobility, and thermodynamic stability) performed at Invitae indicates that this missense variant is expected to disrupt EPG5 protein function. In summary, the available evidence is currently insufficient to determine the role of this variant in disease. Therefore, it has been classified as a Variant of Uncertain Significance.